The following is an entry in ClinVar:

ClinVar aggregate classification (germline): Uncertain significance. Review status: criteria provided, multiple submitters, no conflicts (2 of 4 stars). 2 submissions from 2 submitters: Uncertain significance (2). Last evaluated 2023-04-11.

gnomAD v4.1: 2 of 1,614,094 alleles (0.00012%); highest among the groups gnomAD compares: Non-Finnish European, 0.00017%; no homozygotes.

Submissions (2):

GeneDx
Classification: Uncertain significance. Last evaluated: 2023-04-11. Review status: criteria provided, single submitter. Criteria: GeneDx Variant Classification Process June 2021. Collection method: clinical testing. Allele origin: germline. Affected: yes.
Comment: Not observed at significant frequency in large population cohorts (gnomAD); In silico analysis supports that this missense variant has a deleterious effect on protein structure/function; Has not been previously published as pathogenic or benign to our knowledge

Labcorp Genetics (formerly Invitae), Labcorp
Classification: Uncertain significance. Last evaluated: 2022-12-29. Review status: criteria provided, single submitter. Criteria: Invitae Variant Classification Sherloc (09022015). Collection method: clinical testing. Allele origin: germline.
Comment: In summary, the available evidence is currently insufficient to determine the role of this variant in disease. Therefore, it has been classified as a Variant of Uncertain Significance. Advanced modeling of protein sequence and biophysical properties (such as structural, functional, and spatial information, amino acid conservation, physicochemical variation, residue mobility, and thermodynamic stability) performed at Invitae indicates that this missense variant is not expected to disrupt AUTS2 protein function. This variant has not been reported in the literature in individuals affected with AUTS2-related conditions. This variant is not present in population databases (gnomAD no frequency). This sequence change replaces histidine, which is basic and polar, with glutamine, which is neutral and polar, at codon 548 of the AUTS2 protein (p.His548Gln).

NM_015570.4(AUTS2):c.1644C>A (p.His548Gln)

Gene: AUTS2 (activator of transcription and developmental regulator AUTS2; plus strand). Cytogenetic location: 7q11.22.
Variant type: single nucleotide variant.
Coding change: c.1644C>A on transcript NM_015570.4 (MANE Select); coding-DNA position 1644, C replaced by A.
Protein change: p.His548Gln; replaces histidine 548 with glutamine.
Molecular consequence: missense variant.
Genome position (GRCh38, 1-based): chr7:70,766,289, C>A. VCF-style: chr7-70766289-C-A. GRCh37 (hg19) VCF-style: chr7-70231275-C-A.
Other names: c.1644C>A, p.His548Gln (NM_001127231.3); short protein forms H548Q.
Identifiers: ClinVar variation 1806810 (VCV001806810.5), dbSNP rs779465333, ClinGen allele CA367669033.